The following is an entry in ClinVar:

NM_032043.3(BRIP1):c.3328G>T (p.Glu1110Ter)

Gene: BRIP1 (BRCA1 interacting DNA helicase 1; minus strand). Cytogenetic location: 17q23.2.
Variant type: single nucleotide variant.
Coding change: c.3328G>T on transcript NM_032043.3 (MANE Select); coding-DNA position 3328, G replaced by T.
Protein change: p.Glu1110Ter; replaces glutamic acid 1110 with a stop codon.
Molecular consequence: nonsense.
Genome position (GRCh38, 1-based): chr17:61,683,718, C>A on the plus strand (G>T on the coding strand, the complement: BRIP1 is on the minus strand). VCF-style: chr17-61683718-C-A. GRCh37 (hg19) VCF-style: chr17-59761079-C-A.
Other names: short protein forms E1110*.
Identifiers: ClinVar variation 407865 (VCV000407865.21), dbSNP rs1060501774, ClinGen allele CA16615821.

ClinVar aggregate classification (germline): Conflicting classifications of pathogenicity. Review status: criteria provided, conflicting classifications (1 of 4 stars). 3 submissions from 3 submitters: Likely pathogenic (1); Uncertain significance (2). Last evaluated 2025-10-16.

Conditions:
Hereditary cancer-predisposing syndrome. Also called: Hereditary neoplastic syndrome; Neoplastic Syndromes, Hereditary; Tumor predisposition; Hereditary Cancer Syndrome. Identifiers: Orphanet 140162, MedGen C0027672, MeSH D009386, MONDO:0015356.
Familial cancer of breast. Also called: Hereditary breast cancer; hereditary breast carcinoma; BREAST CANCER, FAMILIAL. Identifiers: Orphanet 227535, MedGen C0346153, MONDO:0016419, OMIM 114480. Disease mechanism: loss of function.
Fanconi anemia complementation group J. Also called: BRIP1-Related Fanconi Anemia. Identifiers: Orphanet 84, MedGen C1836860, MONDO:0012187, OMIM 609054.

Allele frequency attached by ClinVar (database versions not stated): gnomAD exomes below 0.00001.
gnomAD v4.1: 1 of 1,614,056 alleles (0.000062%); highest among the groups gnomAD compares: Non-Finnish European, 0.000085%; no homozygotes.

Submissions (3):

Color Diagnostics, LLC DBA Color Health
Classification: Likely pathogenic for Hereditary cancer-predisposing syndrome. Last evaluated: 2025-10-16. Review status: criteria provided, single submitter. Criteria: ACMG Guidelines, 2015. Collection method: clinical testing. Allele origin: germline.
Comment: This variant changes 1 nucleotide in exon 20 of the BRIP1 gene, creating a premature translation stop signal at codon 1110. This variant is expected to escape nonsense-mediated decay and be expressed as a truncated protein that lacks the last 140 amino acids of the protein. The truncated protein is expected to disrupt the TopBP1 binding domain (a.a. 1106-1178) and an acetylation site (p.Lys1249) in the C-terminus, which have been reported to play an important role in DNA replication-stress response and maintaining genomic stability (PMID: 20159562, 21127055, 22792074). Although functional studies have not been reported for this variant, this variant is expected to impair important BRIP1 protein function. To our knowledge, this variant has not been reported in individuals affected with BRIP1-related disorders in the literature. This variant has not been identified in the general population by the Genome Aggregation Database (gnomAD). Loss of BRIP1 function is a known mechanism of disease. Based on the available evidence, this variant is classified as Likely Pathogenic. This variant may be hypomorphic and may display reduced penetrance relative to typical pathogenic BRIP1 variants. Medical management should be considered based on the individual's personal and family history.

Labcorp Genetics (formerly Invitae), Labcorp
Classification: Uncertain significance for Familial cancer of breast; Fanconi anemia complementation group J. Last evaluated: 2025-07-17. Review status: criteria provided, single submitter. Criteria: Invitae Variant Classification Sherloc (09022015). Collection method: clinical testing. Allele origin: germline.
Comment: This sequence change creates a premature translational stop signal (p.Glu1110*) in the BRIP1 gene. While this is not anticipated to result in nonsense mediated decay, it is expected to disrupt the last 140 amino acid(s) of the BRIP1 protein. This variant is not present in population databases (gnomAD no frequency). This variant has not been reported in the literature in individuals affected with BRIP1-related conditions. ClinVar contains an entry for this variant (Variation ID: 407865). In summary, the available evidence is currently insufficient to determine the role of this variant in disease. Therefore, it has been classified as a Variant of Uncertain Significance.

Ambry Genetics
Classification: Uncertain significance for Hereditary cancer-predisposing syndrome. Last evaluated: 2025-04-30. Review status: criteria provided, single submitter. Criteria: Ambry Variant Classification Scheme 2023. Collection method: clinical testing. Allele origin: germline.
Comment: The p.E1110* variant (also known as c.3328G>T), located in coding exon 19 of the BRIP1 gene, results from a G to T substitution at nucleotide position 3328. This changes the amino acid from a glutamic acid to a stop codon within coding exon 19. This alteration occurs at the 3' terminus of theBRIP1 gene, is not expected to trigger nonsense-mediated mRNA decay, and only impacts the last 140 amino acids of the protein. The exact functional impact of these removed amino acids is unknown. While the C-terminal region of the BRIP1 protein has been shown by structural, biochemical, and mutational analysis to be relevant for some aspects of BRIP1 protein function (Gong Z et al. Mol. Cell, 2010 Feb;37:438-46; Leung CC et al. J. Biol. Chem. 2011 Feb; 286(6):4292-301; Xie J et al. PLoS Genet. 2012 Jul; 8(7):e1002786), functional studies have shown that truncations in the 3' terminus of BRIP1 display normal function in response to intra-strand cross-linking agents (Calvo JA et al. Mol Cancer Res, 2021 Jun;19:1015-1025). In addition, 3' truncations in BRIP1 occurring upstream of this variant have been detected in the homozygous or compound heterozygous state in individuals with no reported features of BRIP1-related Fanconi Anemia (FA-J) (Ambry internal data). Based on the available evidence, the clinical significance of this variant remains unclear.

Literature cited by the submitters: PubMed 20159562 (cited by Color Diagnostics, LLC DBA Color Health); PubMed 21127055 (cited by Color Diagnostics, LLC DBA Color Health); PubMed 22792074 (cited by Color Diagnostics, LLC DBA Color Health).